The following is an entry in ClinVar:

NM_000312.4(PROC):c.768T>A (p.Asp256Glu)

Gene: PROC (protein C, inactivator of coagulation factors Va and VIIIa; plus strand). Cytogenetic location: 2q14.3.
Variant type: single nucleotide variant.
Coding change: c.768T>A on transcript NM_000312.4 (MANE Select); coding-DNA position 768, T replaced by A.
Protein change: p.Asp256Glu; replaces aspartic acid 256 with glutamic acid.
Molecular consequence: missense variant.
Genome position (GRCh38, 1-based): chr2:127,427,194, T>A. VCF-style: chr2-127427194-T-A. GRCh37 (hg19) VCF-style: chr2-128184770-T-A.
Other names: c.951T>A, p.Asp317Glu (NM_001375602.1); c.933T>A, p.Asp311Glu (NM_001375603.1); c.831T>A, p.Asp277Glu (NM_001375604.1); c.870T>A, p.Asp290Glu (NM_001375605.1); c.936T>A, p.Asp312Glu (NM_001375606.1); c.954T>A, p.Asp318Glu (NM_001375607.1); c.711T>A, p.Asp237Glu (NM_001375608.1); c.744T>A, p.Asp248Glu (NM_001375609.1); and 2 more; short protein forms D237E, D248E, D254E, D256E, D277E, D290E, D311E, D312E.
Identifiers: ClinVar variation 3347997 (VCV003347997.1).

ClinVar aggregate classification (germline): Uncertain significance (0 of 4 stars; one submission).

Conditions:
PROC-related disorder. Also called: PROC-related condition.

Submission:

PreventionGenetics, part of Exact Sciences
Classification: Uncertain significance for PROC-related condition. Last evaluated: 2024-03-11. Review status: no assertion criteria provided. Collection method: clinical testing. Allele origin: germline.
Comment: The PROC c.768T>A variant is predicted to result in the amino acid substitution p.Asp256Glu. To our knowledge, this variant has not been reported in the literature or in a large population database, indicating this variant is rare. At this time, the clinical significance of this variant is uncertain due to the absence of conclusive functional and genetic evidence.